The following is an entry in ClinVar:

NM_005219.5(DIAPH1):c.839del (p.Leu280fs)

Gene: DIAPH1 (diaphanous related formin 1; minus strand). Cytogenetic location: 5q31.3.
Variant type: Deletion.
Coding change: c.839del on transcript NM_005219.5 (MANE Select); coding-DNA position 839, one base deleted (T; older notation c.839delT).
Protein change: p.Leu280fs; shifts the reading frame from leucine 280.
Molecular consequence: frameshift variant.
Genome position (GRCh38, 1-based): chr5:141,579,182, A deleted on the plus strand (T on the coding strand, the reverse complement: DIAPH1 is on the minus strand); the first of 4 consecutive A bases (chr5:141,579,182-141,579,185); deleting any one gives the same sequence. VCF-style (leftmost placement, unchanged base first): chr5-141579181-CA-C. GRCh37 (hg19) VCF-style: chr5-140958748-CA-C.
Other names: c.812del, p.Leu271fs (NM_001079812.3); c.839del, p.Leu280fs (NM_001314007.2); short protein forms L271fs, L280fs.
Identifiers: ClinVar variation 2953941 (VCV002953941.3), dbSNP rs1378791199, ClinGen allele CA563369768.

ClinVar aggregate classification (germline): Pathogenic (1 of 4 stars; one submission).

Conditions:
Autosomal dominant nonsyndromic hearing loss 1. Also called: DEAFNESS, AUTOSOMAL DOMINANT 1, WITH OR WITHOUT THROMBOCYTOPENIA; KONIGSMARK SYNDROME. Identifiers: Orphanet 90635, MedGen C1852282, MONDO:0007424, OMIM 124900.
Progressive microcephaly-seizures-cortical blindness-developmental delay syndrome. Also called: Seizures, cortical blindness, and microcephaly syndrome. Identifiers: Orphanet 477814, MedGen C5567650, MONDO:0014714, OMIM 616632.

Submission:

Labcorp Genetics (formerly Invitae), Labcorp
Classification: Pathogenic for Progressive microcephaly-seizures-cortical blindness-developmental delay syndrome; Autosomal dominant nonsyndromic hearing loss 1. Last evaluated: 2023-11-17. Review status: criteria provided, single submitter. Criteria: Invitae Variant Classification Sherloc (09022015). Collection method: clinical testing. Allele origin: germline.
Comment: This sequence change creates a premature translational stop signal (p.Leu280Trpfs*4) in the DIAPH1 gene. It is expected to result in an absent or disrupted protein product. Loss-of-function variants in DIAPH1 are known to be pathogenic (PMID: 24781755, 26463574). This variant is present in population databases (no rsID available, gnomAD 0.0009%). This variant has not been reported in the literature in individuals affected with DIAPH1-related conditions. For these reasons, this variant has been classified as Pathogenic.

Literature cited by the submitters: PubMed 24781755; PubMed 26463574.